The following is an entry in ClinVar:

NM_021072.4(HCN1):c.930C>G (p.His310Gln)

Gene: HCN1 (hyperpolarization activated cyclic nucleotide gated potassium channel 1; minus strand). Cytogenetic location: 5p12.
Variant type: single nucleotide variant.
Coding change: c.930C>G on transcript NM_021072.4 (MANE Select); coding-DNA position 930, C replaced by G.
Protein change: p.His310Gln; replaces histidine 310 with glutamine.
Molecular consequence: missense variant.
Genome position (GRCh38, 1-based): chr5:45,461,927, G>C on the plus strand (C>G on the coding strand, the complement: HCN1 is on the minus strand). VCF-style: chr5-45461927-G-C. GRCh37 (hg19) VCF-style: chr5-45462029-G-C.
Other names: short protein forms H310Q.
Identifiers: ClinVar variation 4536425 (VCV004536425.1).
Genomic context (GRCh38, chr5:45,461,927, plus strand): 5'-CCAGCAATCTGGTGGGAAGTCCTGCAGTAGTGGTACTAAGAACTGAAGACAACCATCCCA[G>C]TGGCACAGGAGCAGCATCATGCCGATGAGATTAAAAATTCTCACCACTGCACTGGCGAGA-3'
Protein context (NP_066550.2, residues 300-320): NLIGMMLLLC[His310Gln]WDGCLQFLVP

ClinVar aggregate classification (germline): Uncertain significance (1 of 4 stars; one submission).

Submission:

GeneDx
Classification: Uncertain significance. Last evaluated: 2025-06-04. Review status: criteria provided, single submitter. Criteria: GeneDx Variant Classification Process June 2021. Collection method: clinical testing. Allele origin: germline. Affected: yes.
Comment: Not observed at significant frequency in large population cohorts (gnomAD); In silico analysis supports that this missense variant has a deleterious effect on protein structure/function; Has not been previously published as pathogenic or benign to our knowledge